The following is an entry in ClinVar:

NM_001206927.2(DNAH8):c.1478A>C (p.Tyr493Ser)

Genes: DNAH8 (dynein axonemal heavy chain 8; plus strand), LOC126859668 (P300/CBP strongly-dependent group 1 enhancer GRCh37_chr6:38723390-38724589; plus strand). Cytogenetic location: 6p21.2.
Variant type: single nucleotide variant.
Coding change: c.1478A>C on transcript NM_001206927.2 (MANE Select); coding-DNA position 1478, A replaced by C.
Protein change: p.Tyr493Ser; replaces tyrosine 493 with serine.
Molecular consequence: missense variant.
Genome position (GRCh38, 1-based): chr6:38,756,042, A>C. VCF-style: chr6-38756042-A-C. GRCh37 (hg19) VCF-style: chr6-38723818-A-C.
Other names: c.827A>C, p.Tyr276Ser (NM_001371.4); short protein forms Y276S, Y493S.
Identifiers: ClinVar variation 2019512 (VCV002019512.4), dbSNP rs780528860, ClinGen allele CA363986316.

ClinVar aggregate classification (germline): Uncertain significance (1 of 4 stars; one submission).

Conditions:
Primary ciliary dyskinesia. Also called: Ciliary dyskinesia. Identifiers: Orphanet 244, MedGen C0008780, MONDO:0016575, HP:0012265.

Submission:

Labcorp Genetics (formerly Invitae), Labcorp
Classification: Uncertain significance for Primary ciliary dyskinesia. Last evaluated: 2022-08-09. Review status: criteria provided, single submitter. Criteria: Invitae Variant Classification Sherloc (09022015). Collection method: clinical testing. Allele origin: germline.
Comment: This variant has not been reported in the literature in individuals affected with DNAH8-related conditions. In summary, the available evidence is currently insufficient to determine the role of this variant in disease. Therefore, it has been classified as a Variant of Uncertain Significance. Algorithms developed to predict the effect of missense changes on protein structure and function are either unavailable or do not agree on the potential impact of this missense change (SIFT: "Deleterious"; PolyPhen-2: "Not Available"; Align-GVGD: "Class C0"). This variant is not present in population databases (gnomAD no frequency). This sequence change replaces tyrosine, which is neutral and polar, with serine, which is neutral and polar, at codon 493 of the DNAH8 protein (p.Tyr493Ser).